The following is an entry in ClinVar:

ClinVar aggregate classification (germline): Uncertain significance (1 of 4 stars; one submission).

Conditions:
Thrombocytopenia 1. Also called: X-linked thrombocytopenia with normal platelets; X-Linked Thrombocytopenia (XLT); THROMBOCYTOPENIA, X-LINKED, 1. Identifiers: Orphanet 268322, Orphanet 852, MedGen C1839163, MONDO:0010743, OMIM 313900.
Wiskott-Aldrich syndrome (WAS). Also called: ALDRICH SYNDROME; IMMUNODEFICIENCY 2; WISKOTT-ALDRICH SYNDROME 1; Wiskott-aldrich syndrome, somatic. Identifiers: Orphanet 906, MedGen C0043194, MONDO:0010518, OMIM 301000.
X-linked severe congenital neutropenia (SCNX). Identifiers: Orphanet 86788, MedGen C1845987, MONDO:0010294, OMIM 300299.

gnomAD v4.1: 1 of 1,149,078 alleles (0.000087%); highest among the groups gnomAD compares: Non-Finnish European, 0.00012%; no homozygotes.

Submission:

Labcorp Genetics (formerly Invitae), Labcorp
Classification: Uncertain significance for Wiskott-Aldrich syndrome; X-linked severe congenital neutropenia; Thrombocytopenia 1. Last evaluated: 2025-03-22. Review status: criteria provided, single submitter. Criteria: Invitae Variant Classification Sherloc (09022015). Collection method: clinical testing. Allele origin: germline.
Comment: This sequence change replaces proline, which is neutral and non-polar, with alanine, which is neutral and non-polar, at codon 395 of the WAS protein (p.Pro395Ala). This variant is not present in population databases (gnomAD no frequency). This variant has not been reported in the literature in individuals affected with WAS-related conditions. Invitae Evidence Modeling of protein sequence and biophysical properties (such as structural, functional, and spatial information, amino acid conservation, physicochemical variation, residue mobility, and thermodynamic stability) indicates that this missense variant is not expected to disrupt WAS protein function with a negative predictive value of 80%. In summary, the available evidence is currently insufficient to determine the role of this variant in disease. Therefore, it has been classified as a Variant of Uncertain Significance.

NM_000377.3(WAS):c.1183C>G (p.Pro395Ala)

Gene: WAS (WASP actin nucleation promoting factor; plus strand). Cytogenetic location: Xp11.23.
Variant type: single nucleotide variant.
Coding change: c.1183C>G on transcript NM_000377.3 (MANE Select); coding-DNA position 1183, C replaced by G.
Protein change: p.Pro395Ala; replaces proline 395 with alanine.
Molecular consequence: missense variant.
Genome position (GRCh38, 1-based): chrX:48,688,911, C>G. VCF-style: chrX-48688911-C-G. GRCh37 (hg19) VCF-style: chrX-48547300-C-G.
Other names: c.1027C>G, p.Pro343Ala (NM_001438876.1, NM_001438878.1); c.1183C>G, p.Pro395Ala (NM_001438877.1, NM_001438879.1); short protein forms P395A, P343A.
Identifiers: ClinVar variation 4782440 (VCV004782440.1).